The following is an entry in ClinVar:

ClinVar aggregate classification (germline): Pathogenic. Review status: criteria provided, multiple submitters, no conflicts (2 of 4 stars). 4 submissions from 4 submitters: Pathogenic (3). 1 of the submissions does not count toward it. Last evaluated 2024-01-02.

Conditions:
Xeroderma pigmentosum, group C (XPC). Also called: Xeroderma pigmentosum, complementation group C; XERODERMA PIGMENTOSUM III; XP, GROUP C; XPC-Related Xeroderma Pigmentosum. Identifiers: Orphanet 910, MedGen C2752147, MONDO:0010211, OMIM 278720.

Submissions (4):

Baylor Genetics
Classification: Pathogenic for Xeroderma pigmentosum, group C. Last evaluated: 2024-01-02. Review status: criteria provided, single submitter. Criteria: ACMG Guidelines, 2015. Collection method: clinical testing. Allele origin: unknown.

Labcorp Genetics (formerly Invitae), Labcorp
Classification: Pathogenic. Last evaluated: 2023-10-04. Review status: criteria provided, single submitter. Criteria: Invitae Variant Classification Sherloc (09022015). Collection method: clinical testing. Allele origin: germline.
Comment: This sequence change creates a premature translational stop signal (p.Pro43Glnfs*36) in the XPC gene. It is expected to result in an absent or disrupted protein product. Loss-of-function variants in XPC are known to be pathogenic (PMID: 23173980, 25256075). This variant is present in population databases (no rsID available, gnomAD 0.003%). This premature translational stop signal has been observed in individuals with xeroderma pigmentosum (PMID: 10766188). This variant is also known as fs43>378stop. ClinVar contains an entry for this variant (Variation ID: 551235). For these reasons, this variant has been classified as Pathogenic.

CeGaT Center for Human Genetics Tuebingen
Classification: Pathogenic. Last evaluated: 2018-07-01. Review status: criteria provided, single submitter. Criteria: CeGaT Center For Human Genetics Tuebingen Variant Classification Criteria Version 2. Collection method: clinical testing. Allele origin: germline. Affected: yes. Observed: 1 variant allele.

Counsyl
Classification: Pathogenic for Xeroderma pigmentosum, group C. Last evaluated: 2017-04-03. Review status: no assertion criteria provided. Collection method: clinical testing. Allele origin: unknown. Not counted in ClinVar's aggregate classification.

Literature cited by the submitters: PubMed 23173980 (cited by Labcorp Genetics (formerly Invitae), Labcorp); PubMed 25256075 (cited by Labcorp Genetics (formerly Invitae), Labcorp); PubMed 10766188 (cited by Labcorp Genetics (formerly Invitae), Labcorp and Counsyl).

NM_004628.5(XPC):c.128del (p.Pro43fs)

Gene: XPC (XPC complex subunit, DNA damage recognition and repair factor; minus strand). Cytogenetic location: 3p25.1.
Variant type: Deletion.
Coding change: c.128del on transcript NM_004628.5 (MANE Select); coding-DNA position 128, one base deleted (C; older notation c.128delC).
Protein change: p.Pro43fs; shifts the reading frame from proline 43.
Molecular consequence: frameshift variant. On other transcripts: 5 prime UTR variant (1), non-coding transcript variant (2).
Genome position (GRCh38, 1-based): chr3:14,173,038, G deleted on the plus strand (C on the coding strand, the reverse complement: XPC is on the minus strand); the first of 5 consecutive G bases (chr3:14,173,038-14,173,042); deleting any one gives the same sequence. VCF-style (leftmost placement, unchanged base first): chr3-14173037-TG-T. GRCh37 (hg19) VCF-style: chr3-14214537-TG-T.
Other names: c.-328del (NM_001354726.2); c.128del, p.Pro43fs (NM_001354727.2, NM_001354730.2); c.110del, p.Pro37fs (NM_001354729.2); c.128delC (NM_004628.4); short protein forms P37fs, P43fs.
Identifiers: ClinVar variation 551235 (VCV000551235.50), dbSNP rs1260189637, ClinGen allele CA541676642.